The following is an entry in ClinVar:

ClinVar aggregate classification (germline): Uncertain significance. Review status: criteria provided, multiple submitters, no conflicts (2 of 4 stars). 3 submissions from 3 submitters: Uncertain significance (3). Last evaluated 2024-12-04.

Conditions:
Inborn genetic diseases. Identifiers: MedGen C0950123, MeSH D030342.
Joubert syndrome. Also called: CEREBELLOPARENCHYMAL DISORDER IV; JOUBERT-BOLTSHAUSER SYNDROME; Familial aplasia of the vermis. Identifiers: Orphanet 475, MedGen C5979921, MONDO:0018772.
Joubert syndrome 3 (JBTS3). Also called: AHI1-related Ciliopathy. Identifiers: Orphanet 220493, MedGen C1837713, MONDO:0012078, OMIM 608629.

Allele frequency attached by ClinVar (database versions not stated): gnomAD exomes below 0.00001 and 0.00002; gnomAD 0.00002; TOPMed 0.00002.
gnomAD v4.1: 33 of 1,609,952 alleles (0.002%); highest among the groups gnomAD compares: Non-Finnish European, 0.0028%; no homozygotes.

Submissions (3):

Ambry Genetics
Classification: Uncertain significance for Inborn genetic diseases. Last evaluated: 2024-12-04. Review status: criteria provided, single submitter. Criteria: Ambry Variant Classification Scheme 2023. Collection method: clinical testing. Allele origin: germline.

Labcorp Genetics (formerly Invitae), Labcorp
Classification: Uncertain significance for Joubert syndrome. Last evaluated: 2022-09-27. Review status: criteria provided, single submitter. Criteria: Invitae Variant Classification Sherloc (09022015). Collection method: clinical testing. Allele origin: germline.
Comment: This sequence change replaces proline, which is neutral and non-polar, with leucine, which is neutral and non-polar, at codon 938 of the AHI1 protein (p.Pro938Leu). This variant is present in population databases (no rsID available, gnomAD 0.002%). This variant has not been reported in the literature in individuals affected with AHI1-related conditions. ClinVar contains an entry for this variant (Variation ID: 1436355). Advanced modeling of protein sequence and biophysical properties (such as structural, functional, and spatial information, amino acid conservation, physicochemical variation, residue mobility, and thermodynamic stability) performed at Invitae indicates that this missense variant is not expected to disrupt AHI1 protein function. In summary, the available evidence is currently insufficient to determine the role of this variant in disease. Therefore, it has been classified as a Variant of Uncertain Significance.

Fulgent Genetics
Classification: Uncertain significance for Joubert syndrome 3. Last evaluated: 2021-12-29. Review status: criteria provided, single submitter. Criteria: ACMG Guidelines, 2015. Collection method: clinical testing. Allele origin: unknown.

NM_001134831.2(AHI1):c.2813C>T (p.Pro938Leu)

Gene: AHI1 (Abelson helper integration site 1; minus strand). Cytogenetic location: 6q23.3.
Variant type: single nucleotide variant.
Coding change: c.2813C>T on transcript NM_001134831.2 (MANE Select); coding-DNA position 2813, C replaced by T.
Protein change: p.Pro938Leu; replaces proline 938 with leucine.
Molecular consequence: missense variant.
Genome position (GRCh38, 1-based): chr6:135,411,496, G>A on the plus strand (C>T on the coding strand, the complement: AHI1 is on the minus strand). VCF-style: chr6-135411496-G-A. GRCh37 (hg19) VCF-style: chr6-135732634-G-A.
Other names: c.2813C>T, p.Pro938Leu (NM_001134830.2, NM_001134832.2, NM_001350503.2 and 2 more transcripts); short protein forms P938L.
Identifiers: ClinVar variation 1436355 (VCV001436355.5), dbSNP rs1170550561, ClinGen allele CA365846147.